The following is an entry in ClinVar:

NM_001276309.3(NOL3):c.68T>C (p.Leu23Pro)

Gene: NOL3 (nucleolar protein 3; plus strand). Cytogenetic location: 16q22.1.
Variant type: single nucleotide variant.
Coding change: c.68T>C on transcript NM_001276309.3 (MANE Select); coding-DNA position 68, T replaced by C.
Protein change: p.Leu23Pro; replaces leucine 23 with proline.
Molecular consequence: missense variant.
Genome position (GRCh38, 1-based): chr16:67,174,237, T>C. VCF-style: chr16-67174237-T-C. GRCh37 (hg19) VCF-style: chr16-67208140-T-C.
Other names: c.68T>C, p.Leu23Pro (NM_001185057.3, NM_001276307.3, NM_001276311.2 and 9 more transcripts); short protein forms L23P.
Identifiers: ClinVar variation 2792268 (VCV002792268.3), dbSNP rs2507080497, ClinGen allele CA396281188.

ClinVar aggregate classification (germline): Uncertain significance (1 of 4 stars; one submission).

Submission:

Labcorp Genetics (formerly Invitae), Labcorp
Classification: Uncertain significance. Last evaluated: 2024-08-07. Review status: criteria provided, single submitter. Criteria: Invitae Variant Classification Sherloc (09022015). Collection method: clinical testing. Allele origin: germline.
Comment: This sequence change replaces leucine, which is neutral and non-polar, with proline, which is neutral and non-polar, at codon 23 of the NOL3 protein (p.Leu23Pro). This variant is not present in population databases (gnomAD no frequency). This variant has not been reported in the literature in individuals affected with NOL3-related conditions. An algorithm developed to predict the effect of missense changes on protein structure and function (PolyPhen-2) suggests that this variant is likely to be disruptive. In summary, the available evidence is currently insufficient to determine the role of this variant in disease. Therefore, it has been classified as a Variant of Uncertain Significance.